The following is an entry in ClinVar:

NM_017617.5(NOTCH1):c.1496G>T (p.Cys499Phe)

Gene: NOTCH1 (notch receptor 1; minus strand). Cytogenetic location: 9q34.3.
Variant type: single nucleotide variant.
Coding change: c.1496G>T on transcript NM_017617.5 (MANE Select); coding-DNA position 1496, G replaced by T.
Protein change: p.Cys499Phe; replaces cysteine 499 with phenylalanine.
Molecular consequence: missense variant.
Genome position (GRCh38, 1-based): chr9:136,517,331, C>A on the plus strand (G>T on the coding strand, the complement: NOTCH1 is on the minus strand). VCF-style: chr9-136517331-C-A. GRCh37 (hg19) VCF-style: chr9-139411783-C-A.
Other names: short protein forms C499F.
Identifiers: ClinVar variation 954372 (VCV000954372.12), dbSNP rs1843292131, ClinGen allele CA375562352.

ClinVar aggregate classification (germline): Uncertain significance. Review status: criteria provided, multiple submitters, no conflicts (2 of 4 stars). 2 submissions from 2 submitters: Uncertain significance (2). Last evaluated 2020-12-10.

Conditions:
Adams-Oliver syndrome 5 (AOS5). Identifiers: Orphanet 974, MedGen C4014970, MONDO:0014459, OMIM 616028.

Submissions (2):

Revvity Omics, Revvity
Classification: Uncertain significance. Last evaluated: 2020-12-10. Review status: criteria provided, single submitter. Criteria: ACMG Guidelines, 2015. Collection method: clinical testing. Allele origin: germline.

Labcorp Genetics (formerly Invitae), Labcorp
Classification: Uncertain significance for Adams-Oliver syndrome 5. Last evaluated: 2019-08-13. Review status: criteria provided, single submitter. Criteria: Invitae Variant Classification Sherloc (09022015). Collection method: clinical testing. Allele origin: germline.
Comment: This sequence change replaces cysteine with phenylalanine at codon 499 of the NOTCH1 protein (p.Cys499Phe). The cysteine residue is highly conserved and there is a large physicochemical difference between cysteine and phenylalanine. This variant is not present in population databases (ExAC no frequency). This variant has not been reported in the literature in individuals with NOTCH1-related conditions. Algorithms developed to predict the effect of missense changes on protein structure and function (SIFT, PolyPhen-2, Align-GVGD) all suggest that this variant is likely to be disruptive, but these predictions have not been confirmed by published functional studies and their clinical significance is uncertain. In summary, the available evidence is currently insufficient to determine the role of this variant in disease. Therefore, it has been classified as a Variant of Uncertain Significance.